The following is an entry in ClinVar:

NM_001365276.2(TNXB):c.10203G>A (p.Val3401=)

Gene: TNXB (tenascin XB; minus strand). Cytogenetic location: 6p21.33.
Variant type: single nucleotide variant.
Coding change: c.10203G>A on transcript NM_001365276.2 (MANE Select); coding-DNA position 10203, G replaced by A.
Protein change: p.Val3401=; no amino-acid change (valine 3401 retained).
Molecular consequence: synonymous variant.
Genome position (GRCh38, 1-based): chr6:32,047,855, C>T on the plus strand (G>A on the coding strand, the complement: TNXB is on the minus strand). VCF-style: chr6-32047855-C-T. GRCh37 (hg19) VCF-style: chr6-32015632-C-T.
Other names: p.Val3399=; c.10197G>A, p.Val3399= (NM_019105.8).
Identifiers: ClinVar variation 1752054 (VCV001752054.4), dbSNP rs748267241, ClinGen allele CA3733279.

ClinVar aggregate classification (germline): Likely benign. Review status: criteria provided, multiple submitters, no conflicts (2 of 4 stars). 3 submissions from 3 submitters: Likely benign (3). Last evaluated 2026-01-19.

Conditions:
Cardiovascular phenotype. Identifiers: MedGen CN230736.

Allele frequency attached by ClinVar (database versions not stated): gnomAD exomes below 0.00001; ExAC 0.00001; gnomAD 0.00001.
gnomAD v4.1: 2 of 1,612,070 alleles (0.00012%); highest among the groups gnomAD compares: East Asian, 0.0022%; no homozygotes.

Submissions (3):

Labcorp Genetics (formerly Invitae), Labcorp
Classification: Likely benign. Last evaluated: 2026-01-19. Review status: criteria provided, single submitter. Criteria: Invitae Variant Classification Sherloc (09022015). Collection method: clinical testing. Allele origin: germline.

Mayo Clinic Laboratories, Mayo Clinic
Classification: Likely benign. Last evaluated: 2024-12-04. Review status: criteria provided, single submitter. Criteria: ACMG Guidelines, 2015. Collection method: clinical testing. Allele origin: germline. Observed: 1 variant allele.
Comment: BP4, BP7

Ambry Genetics
Classification: Likely benign for Cardiovascular phenotype. Last evaluated: 2022-10-07. Review status: criteria provided, single submitter. Criteria: Ambry Variant Classification Scheme 2023. Collection method: clinical testing. Allele origin: germline.